The following is an entry in ClinVar:

NM_007289.4(MME):c.1601+2T>C

Gene: MME (membrane metalloendopeptidase; plus strand). Cytogenetic location: 3q25.2.
Variant type: single nucleotide variant.
Coding change: c.1601+2T>C on transcript NM_007289.4 (MANE Select); the canonical splice donor site of the intron after coding-DNA position 1601, T replaced by C.
Molecular consequence: splice donor variant.
Genome position (GRCh38, 1-based): chr3:155,148,655, T>C. VCF-style: chr3-155148655-T-C. GRCh37 (hg19) VCF-style: chr3-154866444-T-C.
Other names: c.1601+2T>C (NM_001354642.2, NM_000902.5, NM_007287.4 and 2 more transcripts).
Identifiers: ClinVar variation 2778846 (VCV002778846.4), dbSNP rs1403042622, ClinGen allele CA355131218.

ClinVar aggregate classification (germline): Likely pathogenic. Review status: criteria provided, multiple submitters, no conflicts (2 of 4 stars). 2 submissions from 2 submitters: Likely pathogenic (2). Last evaluated 2024-05-14.

Conditions:
MME-related disorder. Also called: MME-related condition.

gnomAD v4.1: 4 of 1,599,792 alleles (0.00025%); highest among the groups gnomAD compares: Non-Finnish European, 0.00034%; no homozygotes.

Submissions (2):

Blueprint Genetics
Classification: Likely pathogenic for MME-related disorders. Last evaluated: 2024-05-14. Review status: criteria provided, single submitter. Criteria: ACMG Guidelines, 2015. Collection method: clinical testing. Allele origin: germline. Affected: yes. Observed: 1 variant allele.

Labcorp Genetics (formerly Invitae), Labcorp
Classification: Likely pathogenic. Last evaluated: 2023-09-08. Review status: criteria provided, single submitter. Criteria: Invitae Variant Classification Sherloc (09022015). Collection method: clinical testing. Allele origin: germline.
Comment: In summary, the currently available evidence indicates that the variant is pathogenic, but additional data are needed to prove that conclusively. Therefore, this variant has been classified as Likely Pathogenic. Algorithms developed to predict the effect of sequence changes on RNA splicing suggest that this variant may disrupt the consensus splice site. This variant has not been reported in the literature in individuals affected with MME-related conditions. This variant is present in population databases (no rsID available, gnomAD 0.0009%). This sequence change affects a donor splice site in intron 16 of the MME gene. It is expected to disrupt RNA splicing. Variants that disrupt the donor or acceptor splice site typically lead to a loss of protein function (PMID: 16199547), and loss-of-function variants in MME are known to be pathogenic (PMID: 26991897).

Literature cited by the submitters: PubMed 16199547 (cited by Labcorp Genetics (formerly Invitae), Labcorp); PubMed 26991897 (cited by Labcorp Genetics (formerly Invitae), Labcorp).